The following is an entry in ClinVar:

NM_000419.5(ITGA2B):c.1949C>T (p.Thr650Met)

Gene: ITGA2B (integrin subunit alpha 2b; minus strand). Cytogenetic location: 17q21.31.
Variant type: single nucleotide variant.
Coding change: c.1949C>T on transcript NM_000419.5 (MANE Select); coding-DNA position 1949, C replaced by T.
Protein change: p.Thr650Met; replaces threonine 650 with methionine.
Molecular consequence: missense variant.
Genome position (GRCh38, 1-based): chr17:44,378,507, G>A on the plus strand (C>T on the coding strand, the complement: ITGA2B is on the minus strand). VCF-style: chr17-44378507-G-A. GRCh37 (hg19) VCF-style: chr17-42455875-G-A.
Other names: c.1949C>T (NM_000419.4); short protein forms T650M.
Identifiers: ClinVar variation 2754265 (VCV002754265.5), dbSNP rs78299130, ClinGen allele CA8602883.

ClinVar aggregate classification (germline): Uncertain significance. Review status: criteria provided, multiple submitters, no conflicts (2 of 4 stars). 3 submissions from 3 submitters: Uncertain significance (3). Last evaluated 2026-09-05.

Conditions:
ITGA2B-related disorder. Also called: ITGA2B-related disorders; ITGA2B-related condition.
Glanzmann thrombasthenia. Also called: THROMBASTHENIA OF GLANZMANN AND NAEGELI; PLATELET GLYCOPROTEIN IIb-IIIa DEFICIENCY; Thrombasthenia; Glanzmann's thrombasthenia. Identifiers: Orphanet 849, MedGen C0040015, MONDO:0100326.

Allele frequency attached by ClinVar (database versions not stated): ExAC 0.00005; gnomAD 0.00005; gnomAD exomes 0.00005; TOPMed 0.00005.
gnomAD v4.1: 76 of 1,613,504 alleles (0.0047%); highest among the groups gnomAD compares: South Asian, 0.0099%; no homozygotes.

Submissions (3):

PreventionGenetics, part of Exact Sciences
Classification: Uncertain significance for ITGA2B-related condition. Last evaluated: 2026-09-05. Review status: criteria provided, single submitter. Criteria: ACMG Guidelines, 2015. Collection method: clinical testing. Allele origin: germline.
Comment: The ITGA2B c.1949C>T variant is predicted to result in the amino acid substitution p.Thr650Met. This variant was reported in an individual with moderately severe neonatal alloimmune thrombocytopaenia; of note, this variant was also reported in the father but not in the mother (Peterson et al. 2010. PubMed ID: 19821948). Additionally, this variant was reported as associated with autosomal recessive Glanzmann thrombasthenia (ST3.3, Stefanucci et al. 2023. PubMed ID: 37647632). Lastly, in a study of thrombocytopenia this variant was identified in controls, but not affected individuals (Table 4, Guéguen et al. 2020. PubMed ID: 32757236). This variant is reported in 0.0086% of alleles in individuals of European (Non-Finnish) descent in gnomAD. At this time, the clinical significance of this variant is uncertain due to the absence of conclusive functional and genetic evidence.

Labcorp Genetics (formerly Invitae), Labcorp
Classification: Uncertain significance for Glanzmann thrombasthenia. Last evaluated: 2025-10-21. Review status: criteria provided, single submitter. Criteria: Invitae Variant Classification Sherloc (09022015). Collection method: clinical testing. Allele origin: germline.
Comment: This sequence change replaces threonine, which is neutral and polar, with methionine, which is neutral and non-polar, at codon 650 of the ITGA2B protein (p.Thr650Met). This variant is present in population databases (rs78299130, gnomAD 0.009%). This missense change has been observed in individual(s) with ITGA2B-related conditions (PMID: 19821948). This variant is also known as T619M. ClinVar contains an entry for this variant (Variation ID: 2754265). An algorithm developed to predict the effect of missense changes on protein structure and function outputs the following: PolyPhen-2: "Benign". The methionine amino acid residue is found in multiple mammalian species, which suggests that this missense change does not adversely affect protein function. In summary, the available evidence is currently insufficient to determine the role of this variant in disease. Therefore, it has been classified as a Variant of Uncertain Significance.

Women's Health and Genetics/Laboratory Corporation of America, LabCorp
Classification: Uncertain significance. Last evaluated: 2024-07-11. Review status: criteria provided, single submitter. Criteria: LabCorp Variant Classification Summary - May 2015. Collection method: clinical testing. Allele origin: germline.
Comment: Variant summary: ITGA2B c.1949C>T (p.Thr650Met) results in a non-conservative amino acid change located in the Integrin alpha, second immunoglobulin-like domain (IPR048285) of the encoded protein sequence. Four of five in-silico tools predict a benign effect of the variant on protein function. Consensus agreement among computation tools predict no significant impact on normal splicing. However, these predictions have yet to be confirmed by functional studies. The variant allele was found at a frequency of 6.8e-05 in 248874 control chromosomes. This frequency is not significantly higher than estimated for a pathogenic variant in ITGA2B causing Glanzmann thrombasthenia 1, allowing no conclusion about variant significance. c.1949C>T has been reported in the literature in association with neonatal alloimmune thrombocytopenia (e.g. Peterson_2010). This report does not provide unequivocal conclusions about association of the variant with Glanzmann thrombasthenia 1. To our knowledge, no experimental evidence demonstrating an impact on protein function has been reported. The following publications have been ascertained in the context of this evaluation (PMID: 32757236, 19821948). ClinVar contains an entry for this variant (Variation ID: 2754265). Based on the evidence outlined above, the variant was classified as uncertain significance.

Literature cited by the submitters: PubMed 19821948 (cited by Labcorp Genetics (formerly Invitae), Labcorp and Women's Health and Genetics/Laboratory Corporation of America, LabCorp); PubMed 32757236 (cited by Women's Health and Genetics/Laboratory Corporation of America, LabCorp).